The following is an entry in ClinVar:

NM_001394372.1(BICRA):c.4041A>C (p.Pro1347=)

Gene: BICRA (BRD4 interacting chromatin remodeling complex associated protein; plus strand). Cytogenetic location: 19q13.33.
Variant type: single nucleotide variant.
Coding change: c.4041A>C on transcript NM_001394372.1 (MANE Select); coding-DNA position 4041, A replaced by C.
Protein change: p.Pro1347=; no amino-acid change (proline 1347 retained).
Molecular consequence: synonymous variant.
Genome position (GRCh38, 1-based): chr19:47,701,773, A>C. VCF-style: chr19-47701773-A-C. GRCh37 (hg19) VCF-style: chr19-48205030-A-C.
Other names: c.4041A>C, p.Pro1347= (NM_015711.3).
Identifiers: ClinVar variation 3388630 (VCV003388630.14).

ClinVar aggregate classification (germline): Likely benign (1 of 4 stars; one submission).

Submission:

CeGaT Center for Human Genetics Tuebingen
Classification: Likely benign. Last evaluated: 2024-09-01. Review status: criteria provided, single submitter. Criteria: CeGaT Center For Human Genetics Tuebingen Variant Classification Criteria Version 2. Collection method: clinical testing. Allele origin: germline. Affected: yes. Observed: 1 variant allele.
Comment: BICRA: PM2:Supporting, BP4, BP7